The following is an entry in ClinVar:

NM_032387.5(WNK4):c.704G>A (p.Arg235His)

Gene: WNK4 (WNK lysine deficient protein kinase 4; plus strand). Cytogenetic location: 17q21.2.
Variant type: single nucleotide variant.
Coding change: c.704G>A on transcript NM_032387.5 (MANE Select); coding-DNA position 704, G replaced by A.
Protein change: p.Arg235His; replaces arginine 235 with histidine.
Molecular consequence: missense variant. On other transcripts: 5 prime UTR variant (1).
Genome position (GRCh38, 1-based): chr17:42,782,843, G>A. VCF-style: chr17-42782843-G-A. GRCh37 (hg19) VCF-style: chr17-40934861-G-A.
Other names: c.-216G>A (NM_001321299.2); short protein forms R235H.
Identifiers: ClinVar variation 2804909 (VCV002804909.4), dbSNP rs893450739, ClinGen allele CA290781223.

ClinVar aggregate classification (germline): Uncertain significance. Review status: criteria provided, multiple submitters, no conflicts (2 of 4 stars). 2 submissions from 2 submitters: Uncertain significance (2). Last evaluated 2023-12-27.

Conditions:
Pseudohypoaldosteronism type 2B (PHA2B). Also called: Pseudohypoaldosteronism Type IIB. Identifiers: Orphanet 757, Orphanet 88939, MedGen C1840390, MONDO:0013777, OMIM 614491.

Allele frequency attached by ClinVar (database versions not stated): gnomAD exomes below 0.00001; TOPMed below 0.00001; gnomAD 0.00001.
gnomAD v4.1: 7 of 1,614,032 alleles (0.00043%); highest among the groups gnomAD compares: South Asian, 0.0033%; no homozygotes.

Submissions (2):

Fulgent Genetics
Classification: Uncertain significance for Pseudohypoaldosteronism type 2B. Last evaluated: 2023-12-27. Review status: criteria provided, single submitter. Criteria: ACMG Guidelines, 2015. Collection method: clinical testing. Allele origin: germline.

Labcorp Genetics (formerly Invitae), Labcorp
Classification: Uncertain significance. Last evaluated: 2023-08-17. Review status: criteria provided, single submitter. Criteria: Invitae Variant Classification Sherloc (09022015). Collection method: clinical testing. Allele origin: germline.
Comment: This sequence change replaces arginine, which is basic and polar, with histidine, which is basic and polar, at codon 235 of the WNK4 protein (p.Arg235His). In summary, the available evidence is currently insufficient to determine the role of this variant in disease. Therefore, it has been classified as a Variant of Uncertain Significance. Experimental studies and prediction algorithms are not available or were not evaluated, and the functional significance of this variant is currently unknown. This variant has not been reported in the literature in individuals affected with WNK4-related conditions. This variant is present in population databases (no rsID available, gnomAD 0.004%).